The following is an entry in ClinVar:

ClinVar aggregate classification (germline): Pathogenic (1 of 4 stars; one submission).

Conditions:
Mucopolysaccharidosis, MPS-IV-A (MPS4A). Also called: Mucopolysaccharidosis type IV A; Mucopolysaccharidosis Type IVA; Morquio syndrome A, mild; MORQUIO SYNDROME A; MPS IVA; mucopolysaccharidosis type 4A. Identifiers: Orphanet 309297, Orphanet 582, MedGen C0086651, MONDO:0009659, OMIM 253000.

Submission:

Laboratory of Diagnosis and Therapy of Lysosomal Disorders, University of Padova
Classification: Pathogenic for Mucopolysaccharidosis, MPS-IV-A. Last evaluated: 2021-02-01. Review status: criteria provided, single submitter. Criteria: ACMG Guidelines, 2015. Collection method: research. Allele origin: germline. Affected: yes.
Comment: Single exon deletion (PVS1_very strong); in vivo functional studies supportive of a damaging effect on the gene product (low to null enzymatic activity in homozygotes; PS3_supporting); located in a mutational hot spot and/or critical and well-established functional domain without benign variation (PM1_moderate); absent from gnomAD v2.1.1 (PM2_moderate); cosegregation with disease in multiple affected family members in a gene definitively known to cause the disease (PP1_supporting)

Literature cited by the submitters: PubMed 34387910.

NM_000512.5(GALNS):c.899-397_1003-1862del

Gene: GALNS (galactosamine (N-acetyl)-6-sulfatase; minus strand). Cytogenetic location: 16q24.3.
Variant type: Deletion.
Coding change: c.899-397_1003-1862del on transcript NM_000512.5 (MANE Select); 397 bases into the intron before coding-DNA position 899 through 1862 bases into the intron before coding-DNA position 1003, 3,799 bases deleted.
Molecular consequence: splice acceptor variant, splice donor variant.
Genome position (GRCh38, 1-based): chr16:88,828,700-88,832,498, 3,799 bases deleted. GRCh37 (hg19): chr16:88,895,111-88,898,909.
Other names: c.344-397_448-1862del (NM_001323543.2); c.917-397_1021-1862del (NM_001323544.2).
Identifiers: ClinVar variation 1048483 (VCV001048483.3), ClinGen allele CA2499223751.